The following is an entry in ClinVar:

NM_000179.3(MSH6):c.349G>T (p.Gly117Ter)

Gene: MSH6 (mutS homolog 6; plus strand). Cytogenetic location: 2p16.3.
Variant type: single nucleotide variant.
Coding change: c.349G>T on transcript NM_000179.3 (MANE Select); coding-DNA position 349, G replaced by T.
Protein change: p.Gly117Ter; replaces glycine 117 with a stop codon.
Molecular consequence: nonsense. On other transcripts: 5 prime UTR variant (2), intron variant (1).
Genome position (GRCh38, 1-based): chr2:47,791,015, G>T. VCF-style: chr2-47791015-G-T. GRCh37 (hg19) VCF-style: chr2-48018154-G-T.
Other names: c.-388G>T (NM_001281493.2, NM_001406811.1, NM_001406823.1 and 1 more transcripts); c.-554G>T (NM_001281494.2); c.445G>T, p.Gly149Ter (NM_001406795.1, NM_001406802.1); c.349G>T, p.Gly117Ter (NM_001406796.1, NM_001406798.1, NM_001406800.1 and 6 more transcripts); c.52G>T, p.Gly18Ter (NM_001406797.1, NM_001406801.1, NM_001406805.1 and 10 more transcripts); c.271G>T, p.Gly91Ter (NM_001406804.1); c.-580G>T (NM_001406807.1); c.-646G>T (NM_001406814.1); and 2 more; short protein forms G117*, G149*, G18*, G61*, G91*.
Identifiers: ClinVar variation 1732034 (VCV001732034.2), dbSNP rs1558652014, ClinGen allele CA346736988.
Genomic context (GRCh38, chr2:47,791,015, plus strand): 5'-TGGGCCAAGATGGAGGGTTACCCCTGGTGGCCTTGTCTGGTTTACAACCACCCCTTTGAT[G>T]GAACATTCATCCGCGAGAAAGGGAAATCAGTCCGTGTTCATGTACAGTTTTTTGATGACA-3'

ClinVar aggregate classification (germline): Pathogenic (1 of 4 stars; one submission).

Conditions:
Hereditary cancer-predisposing syndrome. Also called: Neoplastic Syndromes, Hereditary; Tumor predisposition; Hereditary Cancer Syndrome; Hereditary neoplastic syndrome. Identifiers: Orphanet 140162, MedGen C0027672, MeSH D009386, MONDO:0015356.

Submission:

Ambry Genetics
Classification: Pathogenic for Hereditary cancer-predisposing syndrome. Last evaluated: 2019-05-17. Review status: criteria provided, single submitter. Criteria: Ambry Variant Classification Scheme 2023. Collection method: clinical testing. Allele origin: germline.
Comment: The p.G117* pathogenic mutation (also known as c.349G>T), located in coding exon 2 of the MSH6 gene, results from a G to T substitution at nucleotide position 349. This changes the amino acid from a glycine to a stop codon within coding exon 2. This alteration is expected to result in loss of function by premature protein truncation or nonsense-mediated mRNA decay. As such, this alteration is interpreted as a disease-causing mutation.